The following is an entry in ClinVar:

NM_001382.4(DPAGT1):c.1154T>G (p.Leu385Arg)

Gene: DPAGT1 (dolichyl-phosphate N-acetylglucosaminephosphotransferase 1; minus strand). Cytogenetic location: 11q23.3.
Variant type: single nucleotide variant.
Coding change: c.1154T>G on transcript NM_001382.4 (MANE Select); coding-DNA position 1154, T replaced by G.
Protein change: p.Leu385Arg; replaces leucine 385 with arginine.
Molecular consequence: missense variant.
Genome position (GRCh38, 1-based): chr11:119,097,149, A>C on the plus strand (T>G on the coding strand, the complement: DPAGT1 is on the minus strand). VCF-style: chr11-119097149-A-C. GRCh37 (hg19) VCF-style: chr11-118967859-A-C.
Other names: short protein forms L385R.
Identifiers: ClinVar variation 1009921 (VCV001009921.8), dbSNP rs1016844949, ClinGen allele CA229601834.

ClinVar aggregate classification (germline): Conflicting classifications of pathogenicity. Review status: criteria provided, conflicting classifications (1 of 4 stars). 3 submissions from 3 submitters: Likely pathogenic (1); Uncertain significance (2). Last evaluated 2024-09-03.

Conditions:
Congenital myasthenic syndrome 13 (CMS13). Also called: Myasthenic syndrome, congenital, with tubular aggregates 2; Myasthenic syndrome, congenital, 13, with tubular aggregates. Identifiers: Orphanet 353327, Orphanet 590, MedGen C3553645, MONDO:0013883, OMIM 614750.
DPAGT1-congenital disorder of glycosylation. Also called: CDG Ij; DPAGT1-CDG; CONGENITAL DISORDER OF GLYCOSYLATION, TYPE Ij. Identifiers: Orphanet 86309, MedGen C2931004, MONDO:0011964, OMIM 608093.
DPAGT1-related disorders.

Allele frequency attached by ClinVar (database versions not stated): gnomAD exomes 0.00002; TOPMed 0.00003; gnomAD 0.00007 and 0.00009.
gnomAD v4.1: 40 of 1,614,112 alleles (0.0025%); highest among the groups gnomAD compares: Non-Finnish European, 0.0027%; no homozygotes.

Submissions (3):

Blueprint Genetics
Classification: Likely pathogenic for DPAGT1-related disorders. Last evaluated: 2024-09-03. Review status: criteria provided, single submitter. Criteria: ACMG Guidelines, 2015. Collection method: clinical testing. Allele origin: germline. Affected: yes. Observed: 3 variant alleles.

Labcorp Genetics (formerly Invitae), Labcorp
Classification: Uncertain significance for Congenital myasthenic syndrome 13; DPAGT1-congenital disorder of glycosylation. Last evaluated: 2022-09-07. Review status: criteria provided, single submitter. Criteria: Invitae Variant Classification Sherloc (09022015). Collection method: clinical testing. Allele origin: germline.
Comment: This sequence change replaces leucine, which is neutral and non-polar, with arginine, which is basic and polar, at codon 385 of the DPAGT1 protein (p.Leu385Arg). This variant is present in population databases (no rsID available, gnomAD 0.005%). This missense change has been observed in individual(s) with clinical features of DPAGT1-related conditions (PMID: 22786653). ClinVar contains an entry for this variant (Variation ID: 1009921). Algorithms developed to predict the effect of missense changes on protein structure and function are either unavailable or do not agree on the potential impact of this missense change (SIFT: "Tolerated"; PolyPhen-2: "Possibly Damaging"; Align-GVGD: "Class C0"). Experimental studies are conflicting or provide insufficient evidence to determine the effect of this variant on DPAGT1 function (PMID: 28662078, 30388443). In summary, the available evidence is currently insufficient to determine the role of this variant in disease. Therefore, it has been classified as a Variant of Uncertain Significance.

GeneDx
Classification: Uncertain significance. Last evaluated: 2019-05-08. Review status: criteria provided, single submitter. Criteria: GeneDx Variant Classification Process June 2021. Collection method: clinical testing. Allele origin: germline. Affected: yes.
Comment: The majority of missense variants in this gene are considered pathogenic (Stenson et al., 2014); In silico analysis, which includes protein predictors and evolutionary conservation, supports that this variant does not alter protein structure/function; Not observed at a significant frequency in large population cohorts (Lek et al., 2016); This variant is associated with the following publications: (PMID: 26033833, 29311015, 28662078, 30653653, 22786653, 30388443)

Literature cited by the submitters: PubMed 22786653 (cited by Labcorp Genetics (formerly Invitae), Labcorp); PubMed 28662078 (cited by Labcorp Genetics (formerly Invitae), Labcorp); PubMed 30388443 (cited by Labcorp Genetics (formerly Invitae), Labcorp).